The following is an entry in ClinVar:

ClinVar aggregate classification (germline): Uncertain significance. Review status: criteria provided, single submitter (1 of 4 stars). 2 submissions from 2 submitters: Uncertain significance (1). 1 of the submissions does not count toward it. Last evaluated 2023-08-10.

Conditions:
Retinal dystrophy. Also called: Inherited retinal dystrophy. Identifiers: Orphanet 71862, MedGen C0854723, MeSH D058499, MONDO:0019118, HP:0000556.

Submissions (2):

Labcorp Genetics (formerly Invitae), Labcorp
Classification: Uncertain significance. Last evaluated: 2023-08-10. Review status: criteria provided, single submitter. Criteria: Invitae Variant Classification Sherloc (09022015). Collection method: clinical testing. Allele origin: germline.
Comment: In summary, the available evidence is currently insufficient to determine the role of this variant in disease. Therefore, it has been classified as a Variant of Uncertain Significance. An algorithm developed to predict the effect of missense changes on protein structure and function (PolyPhen-2) suggests that this variant is likely to be disruptive. ClinVar contains an entry for this variant (Variation ID: 1407621). This variant has not been reported in the literature in individuals affected with TIMP3-related conditions. This variant is not present in population databases (gnomAD no frequency). This sequence change replaces tyrosine, which is neutral and polar, with cysteine, which is neutral and slightly polar, at codon 151 of the TIMP3 protein (p.Tyr151Cys).

Institute of Human Genetics, Univ. Regensburg, Univ. Regensburg
Classification: Likely pathogenic for Retinal dystrophy. Last evaluated: 2017-01-01. Review status: no assertion criteria provided. Criteria: ACMG Guidelines, 2015. Collection method: clinical testing. Allele origin: germline. Affected: yes. Not counted in ClinVar's aggregate classification.

NM_000362.5(TIMP3):c.452A>G (p.Tyr151Cys)

Genes: SYN3 (synapsin III; minus strand), TIMP3 (TIMP metallopeptidase inhibitor 3; plus strand). Cytogenetic location: 22q12.3.
Variant type: single nucleotide variant.
Coding change: c.452A>G on transcript NM_000362.5 (MANE Select); coding-DNA position 452, A replaced by G.
Protein change: p.Tyr151Cys; replaces tyrosine 151 with cysteine.
Molecular consequence: missense variant. On other transcripts: intron variant (7).
Genome position (GRCh38, 1-based): chr22:32,859,193, A>G. VCF-style: chr22-32859193-A-G. GRCh37 (hg19) VCF-style: chr22-33255180-A-G.
Other names: c.708+5722T>C (NM_001135774.2, NM_001369910.1, NM_001369909.1); c.711+5722T>C (NM_003490.4, NM_001369908.1, NM_133633.3 and 1 more transcripts); short protein forms Y151C.
Identifiers: ClinVar variation 1407621 (VCV001407621.7), dbSNP rs2048464498, ClinGen allele CA411540149.
Genomic context (GRCh38, chr22:32,859,193, plus strand): 5'-CATACCATGGCAGAGTCCATCAACTGCTGCCTGTTATCTAATTGCAGATCAAGTCCTGCT[A>G]CTACCTGCCTTGCTTTGTGACTTCCAAGAACGAGTGTCTCTGGACCGACATGCTCTCCAA-3'
Protein context (NP_000353.1, residues 141-161): LGCNCKIKSC[Tyr151Cys]YLPCFVTSKN